The following is an entry in ClinVar:

ClinVar aggregate classification (germline): Uncertain significance. Review status: criteria provided, multiple submitters, no conflicts (2 of 4 stars). 2 submissions from 2 submitters: Uncertain significance (2). Last evaluated 2026-07-20.

Conditions:
Neurofibromatosis, type 1 (NF1). Also called: Peripheral type neurofibromatosis; Neurofibromatosis, type I; VON RECKLINGHAUSEN DISEASE; NEUROFIBROMATOSIS, TYPE I, SOMATIC. Identifiers: Orphanet 636, MedGen C0027831, MONDO:0018975, OMIM 162200. Disease mechanism: loss of function.
Cardiovascular phenotype. Identifiers: MedGen CN230736.
Hereditary cancer-predisposing syndrome. Also called: Hereditary Cancer Syndrome; Hereditary neoplastic syndrome; Neoplastic Syndromes, Hereditary; Tumor predisposition. Identifiers: Orphanet 140162, MedGen C0027672, MeSH D009386, MONDO:0015356.

Allele frequency attached by ClinVar (database versions not stated): gnomAD exomes below 0.00001.
gnomAD v4.1: 4 of 1,614,076 alleles (0.00025%); highest among the groups gnomAD compares: Non-Finnish European, 0.00034%; no homozygotes.

Submissions (2):

Ambry Genetics
Classification: Uncertain significance for Cardiovascular phenotype; Hereditary cancer-predisposing syndrome. Last evaluated: 2026-07-20. Review status: criteria provided, single submitter. Criteria: Ambry Variant Classification Scheme 2023. Collection method: clinical testing. Allele origin: germline.
Comment: The p.T1822N variant (also known as c.5465C>A), located in coding exon 37 of the NF1 gene, results from a C to A substitution at nucleotide position 5465. The threonine at codon 1822 is replaced by asparagine, an amino acid with similar properties. This amino acid position is conserved. In addition, the in silico prediction for this alteration is inconclusive. Based on the available evidence, the clinical significance of this variant remains unclear.

Labcorp Genetics (formerly Invitae), Labcorp
Classification: Uncertain significance for Neurofibromatosis, type 1. Last evaluated: 2024-09-23. Review status: criteria provided, single submitter. Criteria: Invitae Variant Classification Sherloc (09022015). Collection method: clinical testing. Allele origin: germline.
Comment: This sequence change replaces threonine, which is neutral and polar, with asparagine, which is neutral and polar, at codon 1822 of the NF1 protein (p.Thr1822Asn). This variant is not present in population databases (gnomAD no frequency). This variant has not been reported in the literature in individuals affected with NF1-related conditions. Invitae Evidence Modeling of protein sequence and biophysical properties (such as structural, functional, and spatial information, amino acid conservation, physicochemical variation, residue mobility, and thermodynamic stability) indicates that this missense variant is expected to disrupt NF1 protein function with a positive predictive value of 80%. In summary, the available evidence is currently insufficient to determine the role of this variant in disease. Therefore, it has been classified as a Variant of Uncertain Significance.

NM_001042492.3(NF1):c.5528C>A (p.Thr1843Asn)

Gene: NF1 (neurofibromin 1; plus strand). Cytogenetic location: 17q11.2.
Variant type: single nucleotide variant.
Coding change: c.5528C>A on transcript NM_001042492.3 (MANE Select); coding-DNA position 5528, C replaced by A.
Protein change: p.Thr1843Asn; replaces threonine 1843 with asparagine.
Molecular consequence: missense variant.
Genome position (GRCh38, 1-based): chr17:31,327,758, C>A. VCF-style: chr17-31327758-C-A. GRCh37 (hg19) VCF-style: chr17-29654776-C-A.
Other names: c.5465C>A, p.Thr1822Asn (NM_000267.4); short protein forms T1822N, T1843N.
Identifiers: ClinVar variation 2853548 (VCV002853548.4), dbSNP rs1567612632, ClinGen allele CA399009765.